The following is an entry in ClinVar:

NM_002519.3(NPAT):c.1889C>A (p.Ser630Tyr)

Gene: NPAT (nuclear protein, coactivator of histone transcription; minus strand). Cytogenetic location: 11q22.3.
Variant type: single nucleotide variant.
Coding change: c.1889C>A on transcript NM_002519.3 (MANE Select); coding-DNA position 1889, C replaced by A.
Protein change: p.Ser630Tyr; replaces serine 630 with tyrosine.
Molecular consequence: missense variant.
Genome position (GRCh38, 1-based): chr11:108,173,095, G>T on the plus strand (C>A on the coding strand, the complement: NPAT is on the minus strand). VCF-style: chr11-108173095-G-T. GRCh37 (hg19) VCF-style: chr11-108043822-G-T.
Other names: c.1889C>A, p.Ser630Tyr (NM_001321307.1); short protein forms S630Y.
Identifiers: ClinVar variation 1782023 (VCV001782023.2), dbSNP rs1399239140, ClinGen allele CA382514139.
Genomic context (GRCh38, chr11:108,173,095, plus strand): 5'-TCATTTTCTGTATGATTTAACTCAACAGATGCTGAATCATTAGATGGTTGTTTAGTAGAA[G>T]ACAGCGAATCTCCAAGATGAATTTCTACTTGTCCAGATACATTTAAATGTGAACTTTCAA-3'
Protein context (NP_002510.2, residues 620-640): QVEIHLGDSL[Ser630Tyr]STKQPSNDSA

ClinVar aggregate classification (germline): Uncertain significance (1 of 4 stars; one submission).

Submission:

Ambry Genetics
Classification: Uncertain significance. Last evaluated: 2021-12-10. Review status: criteria provided, single submitter. Criteria: Ambry Variant Classification Scheme 2023. Collection method: clinical testing. Allele origin: germline.
Comment: The p.S630Y variant (also known as c.1889C>A), located in coding exon 13 of the NPAT gene, results from a C to A substitution at nucleotide position 1889. The serine at codon 630 is replaced by tyrosine, an amino acid with dissimilar properties. This amino acid position is conserved. In addition, this alteration is predicted to be tolerated by in silico analysis. Since supporting evidence is limited at this time, the clinical significance of this alteration remains unclear.